The following is an entry in ClinVar:

NM_017886.4(ULK4):c.1599A>G (p.Val533=)

Gene: ULK4 (unc-51 like kinase 4; minus strand). Cytogenetic location: 3p22.1.
Variant type: single nucleotide variant.
Coding change: c.1599A>G on transcript NM_017886.4 (MANE Select); coding-DNA position 1599, A replaced by G.
Protein change: p.Val533=; no amino-acid change (valine 533 retained).
Molecular consequence: synonymous variant. On other transcripts: non-coding transcript variant (1).
Genome position (GRCh38, 1-based): chr3:41,883,931, T>C on the plus strand (A>G on the coding strand, the complement: ULK4 is on the minus strand). VCF-style: chr3-41883931-T-C. GRCh37 (hg19) VCF-style: chr3-41925423-T-C.
Other names: c.1599A>G, p.Val533= (NM_001322500.2); c.693A>G, p.Val231= (NM_001322501.2).
Identifiers: ClinVar variation 403585 (VCV000403585.5), dbSNP rs1716687, ClinGen allele CA2332242.
Genomic context (GRCh38, chr3:41,883,931, plus strand): 5'-TACCTCAACAACAGGTGTATTTTCCTGGAGCTCAGCTGTGTGCGAAGCCAGTAAACCAAT[T>C]ACGTGAGCAACCTTGGCCCGTCTGTAAATGGAGAGAAAACAGGCTCTGAAAAGAAGAGTC-3'
Protein context (NP_060356.2, residues 523-543): NWDIRAKVAH[Val533=]IGLLASHTAE

ClinVar aggregate classification (germline): Benign. Review status: criteria provided, multiple submitters, no conflicts (2 of 4 stars). 2 submissions from 2 submitters: Benign (2). Last evaluated 2016-03-29.

Allele frequency attached by ClinVar (database versions not stated): TOPMed 0.91767; 1000 Genomes Project 30x 0.91802; 1000 Genomes Project 0.91933; gnomAD 0.92280 and 0.92769; ESP Exome Variant Server 0.92384; ExAC 0.97695; gnomAD exomes 0.97952.
gnomAD v4.1: 1,586,593 of 1,611,248 alleles (98%); highest among the groups gnomAD compares: East Asian, 100%; 783,468 homozygotes.

Submissions (2):

Laboratory for Molecular Medicine, Mass General Brigham Personalized Medicine
Classification: Benign. Last evaluated: 2016-03-29. Review status: criteria provided, single submitter. Criteria: LMM Criteria. Collection method: clinical testing. Allele origin: germline.
Comment: Variant identified in a genome or exome case(s) and assessed due to predicted null impact of the variant or pathogenic assertions in the literature or databases. Disclaimer: This variant has not undergone full assessment. The following are preliminary notes: Frequency

Breakthrough Genomics
Classification: Benign. Review status: criteria provided, single submitter. Criteria: ACMG Guidelines, 2015. Collection method: not provided. Allele origin: germline. Inheritance: Unknown mechanism. Affected: yes.